The following is an entry in ClinVar:

GRCh38/hg38 12q13.13(chr12:53099658-53724525)x1

Genes: AAAS (aladin WD repeat nucleoporin; minus strand), AMHR2 (anti-Mullerian hormone receptor type 2; plus strand), ATF7 (activating transcription factor 7; minus strand), ATF7-NPFF (ATF7-NPFF readthrough; minus strand), ATP5MC2 (ATP synthase membrane subunit c locus 2; minus strand) and 71 more. Cytogenetic location: 12q13.13.
Variant type: copy number loss.
Change: copy number 1 (one copy instead of two) of chr12:53,099,658-53,724,525 (624.9 kb, GRCh38 coordinates, 1-based), cytogenetic band 12q13.13.
Identifiers: ClinVar variation 59017 (VCV000059017.1).

ClinVar aggregate classification (germline): Pathogenic (1 of 4 stars; one submission).

Submission:

ISCA site 15
Classification: Pathogenic. Last evaluated: 2011-08-12. Review status: criteria provided, single submitter. Criteria: Kaminsky et al. (Genet Med. 2011). Collection method: clinical testing. Allele origin: de novo. Affected: yes. Observed: 1 variant allele.
Comment: Copy number variation identified through the course of routine clinical cytogenomic testing in postnatal populations. Clinical assertions have been curated as described in Kaminsky et al. 2011.